The following is an entry in ClinVar:

ClinVar aggregate classification (germline): Uncertain significance (1 of 4 stars; one submission).

Conditions:
Juvenile polyposis syndrome (JPS). Identifiers: Orphanet 2929, MedGen C0345893, MONDO:0017380, OMIM 174900.

Allele frequency attached by ClinVar (database versions not stated): gnomAD exomes below 0.00001.
gnomAD v4.1: 1 of 1,613,772 alleles (0.000062%); highest among the groups gnomAD compares: South Asian, 0.0011%; no homozygotes.

Submission:

Labcorp Genetics (formerly Invitae), Labcorp
Classification: Uncertain significance for Juvenile polyposis syndrome. Last evaluated: 2025-10-01. Review status: criteria provided, single submitter. Criteria: Invitae Variant Classification Sherloc (09022015). Collection method: clinical testing. Allele origin: germline.
Comment: This sequence change replaces alanine, which is neutral and non-polar, with threonine, which is neutral and polar, at codon 66 of the SMAD4 protein (p.Ala66Thr). This variant is not present in population databases (gnomAD no frequency). This variant has not been reported in the literature in individuals affected with SMAD4-related conditions. ClinVar contains an entry for this variant (Variation ID: 661500). Invitae Evidence Modeling of protein sequence and biophysical properties (such as structural, functional, and spatial information, amino acid conservation, physicochemical variation, residue mobility, and thermodynamic stability) has been performed for this missense variant. However, the output from this modeling did not meet the statistical confidence thresholds required to predict the impact of this variant on SMAD4 protein function. In summary, the available evidence is currently insufficient to determine the role of this variant in disease. Therefore, it has been classified as a Variant of Uncertain Significance.

NM_005359.6(SMAD4):c.196G>A (p.Ala66Thr)

Gene: SMAD4 (SMAD family member 4; plus strand). Cytogenetic location: 18q21.2.
Variant type: single nucleotide variant.
Coding change: c.196G>A on transcript NM_005359.6 (MANE Select); coding-DNA position 196, G replaced by A.
Protein change: p.Ala66Thr; replaces alanine 66 with threonine.
Molecular consequence: missense variant.
Genome position (GRCh38, 1-based): chr18:51,047,242, G>A. VCF-style: chr18-51047242-G-A. GRCh37 (hg19) VCF-style: chr18-48573612-G-A.
Other names: short protein forms A66T.
Identifiers: ClinVar variation 661500 (VCV000661500.10), dbSNP rs1599181207, ClinGen allele CA402457991.